The following is an entry in ClinVar:

NM_001103.4(ACTN2):c.363A>C (p.Glu121Asp)

Gene: ACTN2 (actinin alpha 2; plus strand). Cytogenetic location: 1q43.
Variant type: single nucleotide variant.
Coding change: c.363A>C on transcript NM_001103.4 (MANE Select); coding-DNA position 363, A replaced by C.
Protein change: p.Glu121Asp; replaces glutamic acid 121 with aspartic acid.
Molecular consequence: missense variant. On other transcripts: non-coding transcript variant (1).
Genome position (GRCh38, 1-based): chr1:236,720,106, A>C. VCF-style: chr1-236720106-A-C. GRCh37 (hg19) VCF-style: chr1-236883406-A-C.
Other names: c.363A>C, p.Glu121Asp (NM_001278343.2); c.-459A>C (NM_001278344.2); c.-584A>C (NM_001412150.1); short protein forms E121D.
Identifiers: ClinVar variation 3232705 (VCV003232705.1), dbSNP rs2527542766, ClinGen allele CA345373721.

ClinVar aggregate classification (germline): Uncertain significance (1 of 4 stars; one submission).

Conditions:
Cardiovascular phenotype. Identifiers: MedGen CN230736.

Submission:

Ambry Genetics
Classification: Uncertain significance for Cardiovascular phenotype. Last evaluated: 2023-11-26. Review status: criteria provided, single submitter. Criteria: Ambry Variant Classification Scheme 2023. Collection method: clinical testing. Allele origin: germline.
Comment: The p.E121D variant (also known as c.363A>C), located in coding exon 4 of the ACTN2 gene, results from an A to C substitution at nucleotide position 363. The glutamic acid at codon 121 is replaced by aspartic acid, an amino acid with highly similar properties. This amino acid position is conserved. In addition, this alteration is predicted to be tolerated by in silico analysis. Since supporting evidence is limited at this time, the clinical significance of this alteration remains unclear.